The following is an entry in ClinVar:

ClinVar aggregate classification (germline): Pathogenic (1 of 4 stars; one submission).

Conditions:
Juvenile polyposis/hereditary hemorrhagic telangiectasia syndrome (JPHT). Also called: Juvenile Polyposis Syndrome / Hereditary Hemorrhagic Telangiectasia (JPS/HHT); JP/HHT SYNDROME; JUVENILE POLYPOSIS WITH HEREDITARY HEMORRHAGIC TELANGIECTASIA; POLYPOSIS, GENERALIZED JUVENILE, WITH PULMONARY ARTERIOVENOUS MALFORMATION; TELANGIECTASIA, HEREDITARY HEMORRHAGIC, WITH JUVENILE POLYPOSIS COLI. Identifiers: Orphanet 2929, MedGen C1832942, MONDO:0008278, OMIM 175050.

Submission:

Myriad Genetics, Inc.
Classification: Pathogenic for Juvenile polyposis/hereditary hemorrhagic telangiectasia syndrome. Last evaluated: 2024-02-09. Review status: criteria provided, single submitter. Criteria: Myriad Autosomal Dominant, Autosomal Recessive and X-Linked Classification Criteria (2023). Collection method: clinical testing. Allele origin: unknown.
Comment: This variant is considered pathogenic. This variant creates a frameshift predicted to result in premature protein truncation.

NM_005359.6(SMAD4):c.1355del (p.Ala452fs)

Gene: SMAD4 (SMAD family member 4; plus strand). Cytogenetic location: 18q21.2.
Variant type: Deletion.
Coding change: c.1355del on transcript NM_005359.6 (MANE Select); coding-DNA position 1355, one base deleted (C; older notation c.1355delC).
Protein change: p.Ala452fs; shifts the reading frame from alanine 452.
Molecular consequence: frameshift variant. On other transcripts: non-coding transcript variant (1).
Genome position (GRCh38, 1-based): chr18:51,076,684, C deleted. VCF-style (leftmost placement, unchanged base first): chr18-51076683-GC-G. GRCh37 (hg19) VCF-style: chr18-48603053-GC-G.
Other names: c.1355del, p.Ala452fs (NM_001407041.1, NM_001407042.1); short protein forms A452fs.
Identifiers: ClinVar variation 3148342 (VCV003148342.1), dbSNP rs2511389664, ClinGen allele CA2825002711.